The following is an entry in ClinVar:

NM_182961.4(SYNE1):c.20162A>G (p.Asn6721Ser)

Gene: SYNE1 (spectrin repeat containing nuclear envelope protein 1; minus strand). Cytogenetic location: 6q25.2.
Variant type: single nucleotide variant.
Coding change: c.20162A>G on transcript NM_182961.4 (MANE Select); coding-DNA position 20162, A replaced by G.
Protein change: p.Asn6721Ser; replaces asparagine 6721 with serine.
Molecular consequence: missense variant.
Genome position (GRCh38, 1-based): chr6:152,236,854, T>C on the plus strand (A>G on the coding strand, the complement: SYNE1 is on the minus strand). VCF-style: chr6-152236854-T-C. GRCh37 (hg19) VCF-style: chr6-152557989-T-C.
Other names: c.19949A>G, p.Asn6650Ser (NM_033071.5); short protein forms N6721S, N6650S.
Identifiers: ClinVar variation 1975612 (VCV001975612.5), dbSNP rs2084211407, ClinGen allele CA366123192.

ClinVar aggregate classification (germline): Uncertain significance (1 of 4 stars; one submission).

Conditions:
Emery-Dreifuss muscular dystrophy 4, autosomal dominant (EDMD4). Also called: EMERY-DREIFUSS MUSCULAR DYSTROPHY 4 WITH VARIABLE FEATURES. Identifiers: Orphanet 261, MedGen C2751807, MONDO:0013071, OMIM 612998.
Autosomal recessive ataxia, Beauce type. Also called: SYNE1 Deficiency; Spinocerebellar ataxia, autosomal recessive 8; ATAXIA, RECESSIVE, OF BEAUCE; SYNE1-Related Autosomal Recessive Cerebellar Ataxia. Identifiers: Orphanet 88644, MedGen C1853116, MONDO:0012549, OMIM 610743.

Allele frequency attached by ClinVar (database versions not stated): TOPMed below 0.00001.

Submission:

Labcorp Genetics (formerly Invitae), Labcorp
Classification: Uncertain significance for Emery-Dreifuss muscular dystrophy 4, autosomal dominant; Autosomal recessive ataxia, Beauce type. Last evaluated: 2022-03-25. Review status: criteria provided, single submitter. Criteria: Invitae Variant Classification Sherloc (09022015). Collection method: clinical testing. Allele origin: germline.
Comment: In summary, the available evidence is currently insufficient to determine the role of this variant in disease. Therefore, it has been classified as a Variant of Uncertain Significance. Algorithms developed to predict the effect of missense changes on protein structure and function output the following: SIFT: "Tolerated"; PolyPhen-2: "Benign"; Align-GVGD: "Class C0". The serine amino acid residue is found in multiple mammalian species, which suggests that this missense change does not adversely affect protein function. This variant has not been reported in the literature in individuals affected with SYNE1-related conditions. This variant is not present in population databases (gnomAD no frequency). This sequence change replaces asparagine, which is neutral and polar, with serine, which is neutral and polar, at codon 6650 of the SYNE1 protein (p.Asn6650Ser).